The following is an entry in ClinVar:

ClinVar aggregate classification (germline): Uncertain significance (1 of 4 stars; one submission).

Conditions:
Peroxisome biogenesis disorder 12A (Zellweger). Also called: Peroxisome biogenesis disorder 12A. Identifiers: Orphanet 912, MedGen C3554002, MONDO:0013951, OMIM 614886.

Submission:

Labcorp Genetics (formerly Invitae), Labcorp
Classification: Uncertain significance for Peroxisome biogenesis disorder 12A (Zellweger). Last evaluated: 2022-10-25. Review status: criteria provided, single submitter. Criteria: Invitae Variant Classification Sherloc (09022015). Collection method: clinical testing. Allele origin: germline.
Comment: This sequence change falls in intron 6 of the PEX19 gene. It does not directly change the encoded amino acid sequence of the PEX19 protein. It affects a nucleotide within the consensus splice site. This variant is not present in population databases (gnomAD no frequency). This variant has not been reported in the literature in individuals affected with PEX19-related conditions. ClinVar contains an entry for this variant (Variation ID: 1445449). Variants that disrupt the consensus splice site are a relatively common cause of aberrant splicing (PMID: 17576681, 9536098). Algorithms developed to predict the effect of sequence changes on RNA splicing suggest that this variant is not likely to affect RNA splicing. In summary, the available evidence is currently insufficient to determine the role of this variant in disease. Therefore, it has been classified as a Variant of Uncertain Significance.

Literature cited by the submitters: PubMed 17576681; PubMed 9536098.

NM_002857.4(PEX19):c.771+5G>A

Gene: PEX19 (peroxisomal biogenesis factor 19; minus strand). Cytogenetic location: 1q23.2.
Variant type: single nucleotide variant.
Coding change: c.771+5G>A on transcript NM_002857.4 (MANE Select); 5 bases into the intron after coding-DNA position 771, G replaced by A.
Molecular consequence: intron variant.
Genome position (GRCh38, 1-based): chr1:160,280,065, C>T on the plus strand (G>A on the coding strand, the complement: PEX19 is on the minus strand). VCF-style: chr1-160280065-C-T. GRCh37 (hg19) VCF-style: chr1-160249855-C-T.
Other names: c.771+5G>A (NM_001193644.1).
Identifiers: ClinVar variation 1445449 (VCV001445449.6), dbSNP rs2101799795, ClinGen allele CA2573131237.